The following is an entry in ClinVar:

NM_000199.5(SGSH):c.1144_1145insAGCGCC (p.His381_Arg382insGlnArg)

Gene: SGSH (N-sulfoglucosamine sulfohydrolase; minus strand). Cytogenetic location: 17q25.3.
Variant type: Insertion.
Coding change: c.1144_1145insAGCGCC on transcript NM_000199.5 (MANE Select); coding-DNA positions 1144 to 1145, AGCGCC inserted.
Protein change: p.His381_Arg382insGlnArg.
Molecular consequence: inframe insertion. On other transcripts: 3 prime UTR variant (2), non-coding transcript variant (1).
Genome position: GRCh38 VCF-style: chr17-80210816-C-CGGCGCT. GRCh37 (hg19) VCF-style: chr17-78184615-C-CGGCGCT.
Other names: c.*231_*232insAGCGCC (NM_001352921.3); c.*194_*195insAGCGCC (NM_001352922.2); c.1144_1145insAGCGCC (NM_000199.4); c.1144_1145ins6 (NM_000199.3).
Identifiers: ClinVar variation 92608 (VCV000092608.24), dbSNP rs398123244, ClinGen allele CA220483.
Genomic context (GRCh38, chr17:80,210,816, plus strand): 5'-AAGTCCTGGTCGATGGGAAAGGGCATCTTGAAGTTGAGGTTGTGCACGAGGCGGAAGTGC[C>CGGCGCT]GGTGCTGCACGGAGCGCATGGGGTAGGACATGGTGACCTCGTGGTGGCTCTGGCTGCCAA-3'

ClinVar aggregate classification (germline): Conflicting classifications of pathogenicity. Review status: criteria provided, conflicting classifications (1 of 4 stars). 9 submissions from 9 submitters: Pathogenic (6); Likely pathogenic (1); Uncertain significance (1). 1 of the submissions does not count toward it. Last evaluated 2025-12-01.

Conditions:
SGSH-related disorder. Also called: SGSH-related condition.
Mucopolysaccharidosis, MPS-III-A (MPS3A). Also called: SULFAMIDASE DEFICIENCY; Mucopolysaccharidosis type IIIA (Sanfilippo A); Mucopolysaccharidosis, type IIIA; HEPARAN SULFATE SULFATASE DEFICIENCY; SANFILIPPO SYNDROME A; MPS III A. Identifiers: Orphanet 581, Orphanet 79269, MedGen C0086647, MONDO:0009655, OMIM 252900.

Submissions (9):

PreventionGenetics, part of Exact Sciences
Classification: Pathogenic for SGSH-related condition. Last evaluated: 2025-12-01. Review status: criteria provided, single submitter. Criteria: ACMG Guidelines, 2015. Collection method: clinical testing. Allele origin: germline.
Comment: The SGSH c.1144_1145insAGCGCC variant is predicted to result in an in-frame amino acid insertion (p.His381_Arg382insGlnArg). This variant has been reported in multiple unrelated patients with mucopolysaccharidosis type IIIA (Sanfilippo A) (Beesley et al. 2000. PubMed ID: 11182930; Wang et al. 2011. PubMed ID: 21963080; Table 1, Truxal et al. 2016. PubMed ID: 27590925). This variant is reported in 0.0062% of alleles in individuals of African descent in gnomAD. This variant is interpreted as pathogenic.

GeneDx
Classification: Pathogenic. Last evaluated: 2025-11-27. Review status: criteria provided, single submitter. Criteria: GeneDx Variant Classification Process June 2021. Collection method: clinical testing. Allele origin: germline.
Comment: In-frame insertion of 2 amino acids in a non-repeat region; Not observed at significant frequency in large population cohorts (gnomAD); This variant is associated with the following publications: (PMID: 21963080, 11182930, 27590925, 34991944)

Natera, Inc.
Classification: Pathogenic for Mucopolysaccharidosis type IIIA. Last evaluated: 2025-02-19. Review status: criteria provided, single submitter. Criteria: Natera Variant Classification Schema (03/2026). Collection method: clinical testing. Allele origin: germline.
Comment: The c.1144_1145insAGCGCC variant in SGSH is an in-frame insertion. This variant is rare in the general population with a frequency below the threshold expected for the associated phenotype(s). This variant has been observed in one or more individuals affected with the associated recessive disease, as either homozygous or compound heterozygous with a second variant (PMID: 11182930). Given the available evidence, this variant is classified as Pathogenic.

Labcorp Genetics (formerly Invitae), Labcorp
Classification: Pathogenic for Mucopolysaccharidosis, MPS-III-A. Last evaluated: 2024-08-06. Review status: criteria provided, single submitter. Criteria: Invitae Variant Classification Sherloc (09022015). Collection method: clinical testing. Allele origin: germline.
Comment: This variant, c.1144_1145insAGCGCC, results in the insertion of 2 amino acid(s) of the SGSH protein (p.His381_Arg382insGlnArg), but otherwise preserves the integrity of the reading frame. This variant is present in population databases (rs398123244, gnomAD 0.007%). This variant has been observed in individual(s) with mucopolysaccharidosis type III (PMID: 11182930, 27590925). This variant is also known as 1156ins6. ClinVar contains an entry for this variant (Variation ID: 92608). Experimental studies and prediction algorithms are not available or were not evaluated, and the functional significance of this variant is currently unknown. For these reasons, this variant has been classified as Pathogenic.

Fulgent Genetics
Classification: Pathogenic for Mucopolysaccharidosis, MPS-III-A. Last evaluated: 2024-02-19. Review status: criteria provided, single submitter. Criteria: ACMG Guidelines, 2015. Collection method: clinical testing. Allele origin: germline.

Blueprint Genetics
Classification: Pathogenic for SGSH-related disorders. Last evaluated: 2022-11-09. Review status: criteria provided, single submitter. Criteria: ACMG Guidelines, 2015. Collection method: clinical testing. Allele origin: germline. Affected: yes. Observed: 1 variant allele.

Genome-Nilou Lab
Classification: Likely pathogenic for Mucopolysaccharidosis, MPS-III-A. Last evaluated: 2021-11-07. Review status: criteria provided, single submitter. Criteria: ACMG Guidelines, 2015. Collection method: clinical testing. Allele origin: germline. Affected: no.

Eurofins Ntd Llc (ga)
Classification: Uncertain significance. Last evaluated: 2013-03-12. Review status: criteria provided, single submitter. Criteria: EGL Classification Definitions 2015. Collection method: clinical testing. Allele origin: germline. Observed: 1 variant allele, 1 heterozygote.

Counsyl
Classification: Likely pathogenic for Mucopolysaccharidosis, MPS-III-A. Last evaluated: 2017-06-29. Review status: no assertion criteria provided. Collection method: clinical testing. Allele origin: unknown. Not counted in ClinVar's aggregate classification.

Literature cited by the submitters: PubMed 11182930 (cited by 3 submitters); PubMed 27590925 (cited by Labcorp Genetics (formerly Invitae), Labcorp); PubMed 21963080 (cited by Counsyl).